The following is an entry in ClinVar:

ClinVar aggregate classification (germline): Uncertain significance (1 of 4 stars; one submission).

Allele frequency attached by ClinVar (database versions not stated): gnomAD exomes below 0.00001.
gnomAD v4.1: 2 of 1,611,944 alleles (0.00012%); highest among the groups gnomAD compares: Admixed American, 0.0033%; no homozygotes.

Submission:

Labcorp Genetics (formerly Invitae), Labcorp
Classification: Uncertain significance. Last evaluated: 2024-06-20. Review status: criteria provided, single submitter. Criteria: Invitae Variant Classification Sherloc (09022015). Collection method: clinical testing. Allele origin: germline.
Comment: This sequence change replaces glutamic acid, which is acidic and polar, with lysine, which is basic and polar, at codon 125 of the KANK2 protein (p.Glu125Lys). This variant is present in population databases (no rsID available, gnomAD 0.006%). This variant has not been reported in the literature in individuals affected with KANK2-related conditions. An algorithm developed to predict the effect of missense changes on protein structure and function (PolyPhen-2) suggests that this variant is likely to be disruptive. In summary, the available evidence is currently insufficient to determine the role of this variant in disease. Therefore, it has been classified as a Variant of Uncertain Significance.

NM_001136191.3(KANK2):c.373G>A (p.Glu125Lys)

Gene: KANK2 (KN motif and ankyrin repeat domains 2; minus strand). Cytogenetic location: 19p13.2.
Variant type: single nucleotide variant.
Coding change: c.373G>A on transcript NM_001136191.3 (MANE Select); coding-DNA position 373, G replaced by A.
Protein change: p.Glu125Lys; replaces glutamic acid 125 with lysine.
Molecular consequence: missense variant.
Genome position (GRCh38, 1-based): chr19:11,193,707, C>T on the plus strand (G>A on the coding strand, the complement: KANK2 is on the minus strand). VCF-style: chr19-11193707-C-T. GRCh37 (hg19) VCF-style: chr19-11304383-C-T.
Other names: c.373G>A, p.Glu125Lys (NM_001329451.2, NM_001379548.1, NM_001379549.1 and 15 more transcripts); short protein forms E125K.
Identifiers: ClinVar variation 3022589 (VCV003022589.3), dbSNP rs1159338225, ClinGen allele CA404090349.